The following is an entry in ClinVar:

NM_001130987.2(DYSF):c.5505dup (p.Pro1836fs)

Gene: DYSF (dysferlin; plus strand). Cytogenetic location: 2p13.2.
Variant type: Duplication.
Coding change: c.5505dup on transcript NM_001130987.2 (MANE Select); coding-DNA position 5505, one base duplicated (G; older notation c.5505dupG).
Protein change: p.Pro1836fs; shifts the reading frame from proline 1836.
Molecular consequence: frameshift variant.
Genome position (GRCh38, 1-based): chr2:71,668,801, G duplicated; the last of 2 consecutive G bases (chr2:71,668,800-71,668,801); duplicating either gives the same sequence. VCF-style (leftmost placement, unchanged base first): chr2-71668799-C-CG. GRCh37 (hg19) VCF-style: chr2-71895929-C-CG.
Other names: c.5391dup, p.Pro1798fs (NM_001130455.2); c.5346dup, p.Pro1783fs (NM_001130976.2); c.5409dup, p.Pro1804fs (NM_001130977.2); c.5451dup, p.Pro1818fs (NM_001130978.2); c.5481dup, p.Pro1828fs (NM_001130979.2); c.5439dup, p.Pro1814fs (NM_001130980.2); c.5502dup, p.Pro1835fs (NM_001130981.2); c.5484dup, p.Pro1829fs (NM_001130982.2); and 5 more; short protein forms P1783fs, P1784fs, P1797fs, P1798fs, P1804fs, P1805fs, P1814fs, P1815fs.
Identifiers: ClinVar variation 5013508 (VCV005013508.1).
Genomic context (GRCh38, chr2:71,668,799, plus strand): 5'-ACCCTGTCTCCGCAGGGGAAGCTGCAGATGTGGGTCGACCTATTTCCGAAGGCCCTGGGG[C>CG]GGCCTGGACCTCCCTTCAACATCACCCCACGGAGAGCCAGAAGGTGACTTGCCCAGCCAC-3'

ClinVar aggregate classification (germline): Pathogenic (1 of 4 stars; one submission).

Conditions:
Autosomal recessive limb-girdle muscular dystrophy. Identifiers: Orphanet 102015, MedGen C2931907, MONDO:0015152.

Submission:

Myriad Genetics, Inc.
Classification: Pathogenic for Autosomal recessive limb-girdle muscular dystrophy. Last evaluated: 2024-08-31. Review status: criteria provided, single submitter. Criteria: Myriad Autosomal Dominant, Autosomal Recessive and X-Linked Classification Criteria (2023). Collection method: clinical testing. Allele origin: unknown.
Comment: NM_003494.3(DYSF):c.5388dupG(P1797Afs*31) is expected to be pathogenic in the context of dysferlinopathy. This variant is predicted to lead to an abnormal or absent protein product due to the creation of a premature termination codon in DYSF, a gene where loss-of-function variants are known to be pathogenic. Please note: this variant was assessed in the context of healthy population screening.